The following is an entry in ClinVar:

ClinVar aggregate classification (germline): Conflicting classifications of pathogenicity. Review status: criteria provided, conflicting classifications (1 of 4 stars). 5 submissions from 5 submitters: Uncertain significance (4); Likely benign (1). Last evaluated 2025-07-12.

Conditions:
Retinitis pigmentosa 80 (RP80). Identifiers: MedGen C4540439, MONDO:0054708, OMIM 617781.
Saldino-Mainzer syndrome (SRTD9). Also called: CONORENAL SYNDROME; Renal dysplasia, retinal pigmentary dystrophy, cerebellar ataxia and skeletal dysplasia; short-rib thoracic dysplasia 9 with or without polydactyly; SHORT-RIB THORACIC DYSPLASIA 9 WITHOUT POLYDACTYLY. Identifiers: Orphanet 140969, MedGen C1849437, MONDO:0009964, OMIM 266920.
Inborn genetic diseases. Identifiers: MedGen C0950123, MeSH D030342.

Allele frequency attached by ClinVar (database versions not stated): ExAC 0.00001; gnomAD exomes 0.00001 and 0.00002; TOPMed 0.00003; gnomAD 0.00005 and 0.00006; ESP Exome Variant Server 0.00008.
gnomAD v4.1: 19 of 1,613,734 alleles (0.0012%); highest among the groups gnomAD compares: African/African-American, 0.013%; no homozygotes.

Submissions (5):

Ambry Genetics
Classification: Uncertain significance for Inborn genetic diseases. Last evaluated: 2025-07-12. Review status: criteria provided, single submitter. Criteria: Ambry Variant Classification Scheme 2023. Collection method: clinical testing. Allele origin: germline.

Labcorp Genetics (formerly Invitae), Labcorp
Classification: Likely benign for Saldino-Mainzer syndrome. Last evaluated: 2024-12-29. Review status: criteria provided, single submitter. Criteria: Invitae Variant Classification Sherloc (09022015). Collection method: clinical testing. Allele origin: germline.

Blueprint Genetics
Classification: Uncertain significance. Last evaluated: 2021-10-18. Review status: criteria provided, single submitter. Criteria: ACMG Guidelines, 2015. Collection method: clinical testing. Allele origin: germline.

Fulgent Genetics
Classification: Uncertain significance for Saldino-Mainzer syndrome; Retinitis pigmentosa 80. Last evaluated: 2021-07-07. Review status: criteria provided, single submitter. Criteria: ACMG Guidelines, 2015. Collection method: clinical testing. Allele origin: unknown.

GeneDx
Classification: Uncertain significance. Last evaluated: 2021-04-08. Review status: criteria provided, single submitter. Criteria: GeneDx Variant Classification Process June 2021. Collection method: clinical testing. Allele origin: germline. Affected: yes.
Comment: In silico analysis supports that this missense variant does not alter protein structure/function; Has not been previously published as pathogenic or benign to our knowledge

NM_014714.4(IFT140):c.1040G>A (p.Arg347Gln)

Genes: IFT140 (intraflagellar transport 140; minus strand), LOC105371046 (uncharacterized LOC105371046; plus strand). Cytogenetic location: 16p13.3.
Variant type: single nucleotide variant.
Coding change: c.1040G>A on transcript NM_014714.4 (MANE Select); coding-DNA position 1040, G replaced by A.
Protein change: p.Arg347Gln; replaces arginine 347 with glutamine.
Molecular consequence: missense variant.
Genome position (GRCh38, 1-based): chr16:1,586,245, C>T on the plus strand (G>A on the coding strand, the complement: IFT140 is on the minus strand). VCF-style: chr16-1586245-C-T. GRCh37 (hg19) VCF-style: chr16-1636246-C-T.
Other names: short protein forms R347Q.
Identifiers: ClinVar variation 1016800 (VCV001016800.13), dbSNP rs147556035, ClinGen allele CA7814447.